The following is an entry in ClinVar:

NM_001308093.3(GATA4):c.1190T>G (p.Ile397Ser)

Gene: GATA4 (GATA binding protein 4). Cytogenetic location: 8p23.1.
Variant type: single nucleotide variant.
Coding change: c.1190T>G on transcript NM_001308093.3 (MANE Select); coding-DNA position 1190, T replaced by G.
Protein change: p.Ile397Ser; replaces isoleucine 397 with serine.
Molecular consequence: missense variant.
Genome position (GRCh38, 1-based): chr8:11,758,333, T>G. VCF-style: chr8-11758333-T-G. GRCh37 (hg19) VCF-style: chr8-11615842-T-G.
Other names: c.569T>G, p.Ile190Ser (NM_001308094.2, NM_001374273.1); c.443T>G, p.Ile148Ser (NM_001374274.1); c.1187T>G, p.Ile396Ser (NM_002052.5); short protein forms I397S, I190S, I396S, I148S.
Identifiers: ClinVar variation 5022236 (VCV005022236.1).
Genomic context (GRCh38, chr8:11,758,333, plus strand): 5'-GTGTGCTTTCTGCTTTTCAGACGTTCTCAGTCAGTGCGATGTCTGGCCATGGGCCCTCCA[T>G]CCACCCTGTCCTCTCGGCCCTGAAGCTCTCCCCACAAGGCTATGCGTCTCCCGTCAGCCA-3'
Protein context (NP_001295022.1, residues 387-407): VSAMSGHGPS[Ile397Ser]HPVLSALKLS

ClinVar aggregate classification (germline): Uncertain significance (1 of 4 stars; one submission).

Conditions:
Cardiovascular phenotype. Identifiers: MedGen CN230736.

Submission:

Ambry Genetics
Classification: Uncertain significance for Cardiovascular phenotype. Last evaluated: 2026-08-08. Review status: criteria provided, single submitter. Criteria: Ambry Variant Classification Scheme 2023. Collection method: clinical testing. Allele origin: germline.
Comment: The p.I396S variant (also known as c.1187T>G), located in coding exon 6 of the GATA4 gene, results from a T to G substitution at nucleotide position 1187. The isoleucine at codon 396 is replaced by serine, an amino acid with dissimilar properties. This amino acid position is conserved. In addition, the in silico prediction for this alteration is inconclusive. Based on the available evidence, the clinical significance of this variant remains unclear.